The following is an entry in ClinVar:

NM_003477.3(PDHX):c.1093G>A (p.Val365Met)

Gene: PDHX (pyruvate dehydrogenase complex component X; plus strand). Cytogenetic location: 11p13.
Variant type: single nucleotide variant.
Coding change: c.1093G>A on transcript NM_003477.3 (MANE Select); coding-DNA position 1093, G replaced by A.
Protein change: p.Val365Met; replaces valine 365 with methionine.
Molecular consequence: missense variant.
Genome position (GRCh38, 1-based): chr11:34,984,639, G>A. VCF-style: chr11-34984639-G-A. GRCh37 (hg19) VCF-style: chr11-35006186-G-A.
Other names: c.913G>A, p.Val305Met (NM_001135024.2); c.412G>A, p.Val138Met (NM_001166158.2); short protein forms V138M, V305M, V365M.
Identifiers: ClinVar variation 1984421 (VCV001984421.4), dbSNP rs180948326, ClinGen allele CA5946098.
Genomic context (GRCh38, chr11:34,984,639, plus strand): 5'-GATGTTAATGTAAGCTGGGATGGAGAGGGCCCAAAGCAACTGCCATTTATTGACATTTCA[G>A]TGGCTGTGGCAACAGATAAAGGCTTACTTACTCCAATCATAAAAGATGCTGCTGCTAAAG-3'
Protein context (NP_003468.2, residues 355-375): PKQLPFIDIS[Val365Met]AVATDKGLLT

ClinVar aggregate classification (germline): Uncertain significance (1 of 4 stars; one submission).

Allele frequency attached by ClinVar (database versions not stated): gnomAD 0.00001; ExAC 0.00002; TOPMed 0.00003; 1000 Genomes Project 30x 0.00016; 1000 Genomes Project 0.00020.
gnomAD v4.1: 6 of 1,613,882 alleles (0.00037%); highest among the groups gnomAD compares: African/African-American, 0.008%; no homozygotes.

Submission:

Labcorp Genetics (formerly Invitae), Labcorp
Classification: Uncertain significance. Last evaluated: 2024-04-10. Review status: criteria provided, single submitter. Criteria: Invitae Variant Classification Sherloc (09022015). Collection method: clinical testing. Allele origin: germline.
Comment: This sequence change replaces valine, which is neutral and non-polar, with methionine, which is neutral and non-polar, at codon 365 of the PDHX protein (p.Val365Met). This variant is present in population databases (rs180948326, gnomAD 0.02%). This variant has not been reported in the literature in individuals affected with PDHX-related conditions. ClinVar contains an entry for this variant (Variation ID: 1984421). Advanced modeling of protein sequence and biophysical properties (such as structural, functional, and spatial information, amino acid conservation, physicochemical variation, residue mobility, and thermodynamic stability) performed at Invitae indicates that this missense variant is not expected to disrupt PDHX protein function with a negative predictive value of 80%. In summary, the available evidence is currently insufficient to determine the role of this variant in disease. Therefore, it has been classified as a Variant of Uncertain Significance.